The following is an entry in ClinVar:

ClinVar aggregate classification (germline): Conflicting classifications of pathogenicity. Review status: criteria provided, conflicting classifications (1 of 4 stars). 2 submissions from 2 submitters: Uncertain significance (1); Likely benign (1). Last evaluated 2025-09-20.

Conditions:
Epidermolysis bullosa simplex 5B, with muscular dystrophy (EBS5B). Also called: Epidermolysis bullosa simplex with muscular dystrophy; EPIDERMOLYSIS BULLOSA SIMPLEX AND LIMB-GIRDLE MUSCULAR DYSTROPHY. Identifiers: Orphanet 257, MedGen C2931072, MONDO:0009181, OMIM 226670.
Epidermolysis bullosa simplex, Ogna type (EBS5A). Also called: Pidermolysis bullosa simplex 5A, Ogna type; EPIDERMOLYSIS BULLOSA SIMPLEX 5A, OGNA TYPE. Identifiers: Orphanet 79401, MedGen C0432317, MONDO:0007555, OMIM 131950.
Autosomal recessive limb-girdle muscular dystrophy type 2Q (LGMDR17). Also called: MUSCULAR DYSTROPHY, LIMB-GIRDLE, AUTOSOMAL RECESSIVE 17. Identifiers: Orphanet 254361, MedGen C3150989, MONDO:0013390, OMIM 613723.
Epidermolysis bullosa simplex 5C, with pyloric atresia (EBS5C). Also called: PLEC-Related Epidermolysis Bullosa with Pyloric Atresia; Epidermolysis bullosa simplex with pyloric atresia; PLEC1-Related Epidermolysis Bullosa with Pyloric Atresia. Identifiers: Orphanet 158684, MedGen C2677349, MONDO:0012807, OMIM 612138.
Epidermolysis bullosa simplex with nail dystrophy (EBS5D). Identifiers: MedGen C4225309, MONDO:0014661, OMIM 616487.

Allele frequency attached by ClinVar (database versions not stated): gnomAD exomes 0.00001; TOPMed 0.00003; gnomAD 0.00004 and 0.00005.
gnomAD v4.1: 23 of 1,550,052 alleles (0.0015%); highest among the groups gnomAD compares: Admixed American, 0.0037%; no homozygotes.

Submissions (2):

Labcorp Genetics (formerly Invitae), Labcorp
Classification: Uncertain significance for Autosomal recessive limb-girdle muscular dystrophy type 2Q; Epidermolysis bullosa simplex, Ogna type; Epidermolysis bullosa simplex with nail dystrophy; Epidermolysis bullosa simplex 5C, with pyloric atresia; Epidermolysis bullosa simplex 5B, with muscular dystrophy. Last evaluated: 2025-09-20. Review status: criteria provided, single submitter. Criteria: Invitae Variant Classification Sherloc (09022015). Collection method: clinical testing. Allele origin: germline.
Comment: This sequence change replaces arginine, which is basic and polar, with histidine, which is basic and polar, at codon 1556 of the PLEC protein (p.Arg1556His). The frequency data for this variant in the population databases is considered unreliable, as metrics indicate poor data quality at this position in the gnomAD database. This variant has not been reported in the literature in individuals affected with PLEC-related conditions. ClinVar contains an entry for this variant (Variation ID: 379729). Experimental studies and prediction algorithms are not available or were not evaluated, and the functional significance of this variant is currently unknown. In summary, the available evidence is currently insufficient to determine the role of this variant in disease. Therefore, it has been classified as a Variant of Uncertain Significance.

GeneDx
Classification: Likely benign. Last evaluated: 2015-05-22. Review status: criteria provided, single submitter. Criteria: GeneDx Variant Classification (06012015). Collection method: clinical testing. Allele origin: germline. Affected: yes.
Comment: This variant is considered likely benign or benign based on one or more of the following criteria: it is a conservative change, it occurs at a poorly conserved position in the protein, it is predicted to be benign by multiple in silico algorithms, and/or has population frequency not consistent with disease.

NM_201384.3(PLEC):c.4586G>A (p.Arg1529His)

Gene: PLEC (plectin; minus strand). Cytogenetic location: 8q24.3.
Variant type: single nucleotide variant.
Coding change: c.4586G>A on transcript NM_201384.3 (MANE Select); coding-DNA position 4586, G replaced by A.
Protein change: p.Arg1529His; replaces arginine 1529 with histidine.
Molecular consequence: missense variant.
Genome position (GRCh38, 1-based): chr8:143,925,343, C>T on the plus strand (G>A on the coding strand, the complement: PLEC is on the minus strand). VCF-style: chr8-143925343-C-T. GRCh37 (hg19) VCF-style: chr8-144999511-C-T.
Other names: c.4667G>A, p.Arg1556His (NM_000445.5); c.4544G>A, p.Arg1515His (NM_201378.4); c.4520G>A, p.Arg1507His (NM_201379.3); c.4997G>A, p.Arg1666His (NM_201380.4); c.4490G>A, p.Arg1497His (NM_201381.3); c.4586G>A, p.Arg1529His (NM_201382.4); c.4598G>A, p.Arg1533His (NM_201383.3); short protein forms R1497H, R1507H, R1515H, R1529H, R1533H, R1556H, R1666H.
Identifiers: ClinVar variation 379729 (VCV000379729.6), dbSNP rs1057520714, ClinGen allele CA16605449.